The following is an entry in ClinVar:

ClinVar aggregate classification (germline): Uncertain significance (1 of 4 stars; one submission).

Conditions:
Cardiovascular phenotype. Identifiers: MedGen CN230736.

Submission:

Ambry Genetics
Classification: Uncertain significance for Cardiovascular phenotype. Last evaluated: 2026-09-11. Review status: criteria provided, single submitter. Criteria: Ambry Variant Classification Scheme 2023. Collection method: clinical testing. Allele origin: germline.
Comment: The p.V746I variant (also known as c.2236G>A), located in coding exon 16 of the DSP gene, results from a G to A substitution at nucleotide position 2236. The valine at codon 746 is replaced by isoleucine, an amino acid with highly similar properties. This amino acid position is conserved. In addition, this alteration is predicted to be tolerated by in silico analysis. Based on the available evidence, the clinical significance of this variant remains unclear.

NM_004415.4(DSP):c.2236G>A (p.Val746Ile)

Gene: DSP (desmoplakin; plus strand). Cytogenetic location: 6p24.3.
Variant type: single nucleotide variant.
Coding change: c.2236G>A on transcript NM_004415.4 (MANE Select); coding-DNA position 2236, G replaced by A.
Protein change: p.Val746Ile; replaces valine 746 with isoleucine.
Molecular consequence: missense variant.
Genome position (GRCh38, 1-based): chr6:7,574,191, G>A. VCF-style: chr6-7574191-G-A. GRCh37 (hg19) VCF-style: chr6-7574424-G-A.
Other names: c.2236G>A, p.Val746Ile (NM_001008844.3, NM_001319034.2); short protein forms V746I.
Identifiers: ClinVar variation 3085984 (VCV003085984.2), dbSNP rs1247091878, ClinGen allele CA362680871.
Genomic context (GRCh38, chr6:7,574,191, plus strand): 5'-CTTAAAGATATGCTTGCCAACTTCAGAGGTTCTGAAAAGTACTGCTATTTACAGAATGAA[G>A]TATTTGGACTATTTCAGAAACTGGAAAATATCAATGGTGTTACAGATGGCTACTTAAATA-3'
Protein context (NP_004406.2, residues 736-756): SEKYCYLQNE[Val746Ile]FGLFQKLENI